The following is an entry in ClinVar:

NM_000384.3(APOB):c.952C>A (p.Pro318Thr)

Gene: APOB (apolipoprotein B; minus strand). Cytogenetic location: 2p24.1.
Variant type: single nucleotide variant.
Coding change: c.952C>A on transcript NM_000384.3 (MANE Select); coding-DNA position 952, C replaced by A.
Protein change: p.Pro318Thr; replaces proline 318 with threonine.
Molecular consequence: missense variant.
Genome position (GRCh38, 1-based): chr2:21,033,471, G>T on the plus strand (C>A on the coding strand, the complement: APOB is on the minus strand). VCF-style: chr2-21033471-G-T. GRCh37 (hg19) VCF-style: chr2-21256343-G-T.
Other names: short protein forms P318T.
Identifiers: ClinVar variation 919757 (VCV000919757.11), dbSNP rs758678209, ClinGen allele CA066633.

ClinVar aggregate classification (germline): Conflicting classifications of pathogenicity. Review status: criteria provided, conflicting classifications (1 of 4 stars). 4 submissions from 4 submitters: Uncertain significance (3); Likely benign (1). Last evaluated 2025-12-31.

Conditions:
Cardiovascular phenotype. Identifiers: MedGen CN230736.
Familial hypobetalipoproteinemia 1. Also called: Hypobetalipoproteinemia, normotriglyceridemic; Acanthocytosis with hypobetalipoproteinemia; APOB-Related Familial Hypobetalipoproteinemia. Identifiers: MedGen C4551990, MONDO:0014252, OMIM 615558.
Hypercholesterolemia, autosomal dominant, type B (FHCL2). Also called: Familial Hypercholesterolemia Type B; HYPERCHOLESTEROLEMIA, FAMILIAL, DUE TO LIGAND-DEFECTIVE APOLIPOPROTEIN B; Familial hypercholesterolemia 2; APOB-Related Familial Hypercholesterolemia, Autosomal Dominant; APOLIPOPROTEIN B-100, FAMILIAL DEFECTIVE; APOLIPOPROTEIN B-100, FAMILIAL LIGAND-DEFECTIVE. Identifiers: MedGen C1704417, MONDO:0007751, OMIM 144010.

Allele frequency attached by ClinVar (database versions not stated): gnomAD exomes below 0.00001; ExAC 0.00001.

Submissions (4):

Labcorp Genetics (formerly Invitae), Labcorp
Classification: Likely benign for Familial hypobetalipoproteinemia 1; Hypercholesterolemia, autosomal dominant, type B. Last evaluated: 2025-12-31. Review status: criteria provided, single submitter. Criteria: Invitae Variant Classification Sherloc (09022015). Collection method: clinical testing. Allele origin: germline.

GeneDx
Classification: Uncertain significance. Last evaluated: 2025-06-28. Review status: criteria provided, single submitter. Criteria: GeneDx Variant Classification Process June 2021. Collection method: clinical testing. Allele origin: germline. Affected: yes.
Comment: Not observed at significant frequency in large population cohorts (gnomAD); In silico analysis supports that this missense variant has a deleterious effect on protein structure/function; Has not been previously published as pathogenic or benign to our knowledge

Ambry Genetics
Classification: Uncertain significance for Cardiovascular phenotype. Last evaluated: 2023-01-13. Review status: criteria provided, single submitter. Criteria: Ambry Variant Classification Scheme 2023. Collection method: clinical testing. Allele origin: germline.
Comment: The p.P318T variant (also known as c.952C>A), located in coding exon 9 of the APOB gene, results from a C to A substitution at nucleotide position 952. The proline at codon 318 is replaced by threonine, an amino acid with highly similar properties. This amino acid position is conserved. In addition, this alteration is predicted to be tolerated by in silico analysis. Since supporting evidence is limited at this time, the clinical significance of this alteration remains unclear.

Fulgent Genetics
Classification: Uncertain significance for Hypercholesterolemia, autosomal dominant, type B; Familial hypobetalipoproteinemia 1. Last evaluated: 2021-09-28. Review status: criteria provided, single submitter. Criteria: ACMG Guidelines, 2015. Collection method: clinical testing. Allele origin: unknown.